The following is an entry in ClinVar:

NM_006080.3(SEMA3A):c.1121C>A (p.Pro374His)

Gene: SEMA3A (semaphorin 3A; minus strand). Cytogenetic location: 7q21.11.
Variant type: single nucleotide variant.
Coding change: c.1121C>A on transcript NM_006080.3 (MANE Select); coding-DNA position 1121, C replaced by A.
Protein change: p.Pro374His; replaces proline 374 with histidine.
Molecular consequence: missense variant.
Genome position (GRCh38, 1-based): chr7:84,007,372, G>T on the plus strand (C>A on the coding strand, the complement: SEMA3A is on the minus strand). VCF-style: chr7-84007372-G-T. GRCh37 (hg19) VCF-style: chr7-83636688-G-T.
Other names: short protein forms P374H.
Identifiers: ClinVar variation 2636663 (VCV002636663.5), dbSNP rs755957480, ClinGen allele CA4322845.

ClinVar aggregate classification (germline): Uncertain significance. Review status: criteria provided, multiple submitters, no conflicts (2 of 4 stars). 2 submissions from 2 submitters: Uncertain significance (2). Last evaluated 2025-03-26.

Conditions:
SEMA3A-related disorder. Also called: SEMA3A-related condition.

Allele frequency attached by ClinVar (database versions not stated): ExAC 0.00002; TOPMed 0.00002.

Submissions (2):

PreventionGenetics, part of Exact Sciences
Classification: Uncertain significance for SEMA3A-related condition. Last evaluated: 2025-03-26. Review status: criteria provided, single submitter. Criteria: ACMG Guidelines, 2015. Collection method: clinical testing. Allele origin: germline.
Comment: The SEMA3A c.1121C>A variant is predicted to result in the amino acid substitution p.Pro374His. To our knowledge, this variant has not been reported in the literature. This variant is reported in 0.0061% of alleles in individuals of Latino descent in gnomAD. At this time, the clinical significance of this variant is uncertain due to the absence of conclusive functional and genetic evidence.

Labcorp Genetics (formerly Invitae), Labcorp
Classification: Uncertain significance. Last evaluated: 2023-06-16. Review status: criteria provided, single submitter. Criteria: Invitae Variant Classification Sherloc (09022015). Collection method: clinical testing. Allele origin: germline.
Comment: In summary, the available evidence is currently insufficient to determine the role of this variant in disease. Therefore, it has been classified as a Variant of Uncertain Significance. Advanced modeling of protein sequence and biophysical properties (such as structural, functional, and spatial information, amino acid conservation, physicochemical variation, residue mobility, and thermodynamic stability) performed at Invitae indicates that this missense variant is expected to disrupt SEMA3A protein function. This variant has not been reported in the literature in individuals affected with SEMA3A-related conditions. This variant is present in population databases (rs755957480, gnomAD 0.006%). This sequence change replaces proline, which is neutral and non-polar, with histidine, which is basic and polar, at codon 374 of the SEMA3A protein (p.Pro374His).